The following is an entry in ClinVar:

ClinVar aggregate classification (germline): Uncertain significance (1 of 4 stars; one submission).

Conditions:
Alzheimer disease 9. Also called: ALZHEIMER DISEASE 9, SUSCEPTIBILITY TO; ALZHEIMER DISEASE 9, LATE-ONSET. Identifiers: MedGen C4282179, MONDO:0012153, OMIM 608907.

Allele frequency attached by ClinVar (database versions not stated): gnomAD exomes 0.00001.
gnomAD v4.1: 56 of 1,574,588 alleles (0.0036%); highest among the groups gnomAD compares: African/African-American, 0.012%; no homozygotes.

Submission:

Laboratorio de Genetica e Diagnostico Molecular, Hospital Israelita Albert Einstein
Classification: Uncertain significance for Alzheimer disease 9. Last evaluated: 2022-02-01. Review status: criteria provided, single submitter. Criteria: ACMG Guidelines, 2015. Collection method: clinical testing. Allele origin: germline. Affected: yes.
Comment: ACMG classification criteria: PM2 moderate, PP3 supporting

NM_019112.4(ABCA7):c.3397G>A (p.Gly1133Arg)

Gene: ABCA7 (ATP binding cassette subfamily A member 7; plus strand). Cytogenetic location: 19p13.3.
Variant type: single nucleotide variant.
Coding change: c.3397G>A on transcript NM_019112.4 (MANE Select); coding-DNA position 3397, G replaced by A.
Protein change: p.Gly1133Arg; replaces glycine 1133 with arginine.
Molecular consequence: missense variant.
Genome position (GRCh38, 1-based): chr19:1,053,505, G>A. VCF-style: chr19-1053505-G-A. GRCh37 (hg19) VCF-style: chr19-1053504-G-A.
Other names: short protein forms G1133R.
Identifiers: ClinVar variation 1683702 (VCV001683702.2), dbSNP rs762159513, ClinGen allele CA402965946.
Genomic context (GRCh38, chr19:1,053,505, plus strand): 5'-TTCGCCACACTCTTCCGAGAGCTAGACACGCGGCTGGCGGAGCTGAGGCTCACTGGCTAC[G>A]GGATCTCCGACACCAGCCTCGAGGAGGTGTGAGGCCTGGGTGGTGGTGAGGTGGGGCCAG-3'
Protein context (NP_061985.2, residues 1123-1143): RLAELRLTGY[Gly1133Arg]ISDTSLEEIF